The following is an entry in ClinVar:

ClinVar aggregate classification (germline): Likely pathogenic (1 of 4 stars; one submission).

Conditions:
Melnick-Fraser syndrome (BOR). Also called: Branchio-oto-renal syndrome; Branchiootorenal Syndrome (BORS); Branchiootorenal syndrome. Identifiers: Orphanet 107, MedGen C0265234, MONDO:0007029.

Submission:

Labcorp Genetics (formerly Invitae), Labcorp
Classification: Likely pathogenic for Melnick-Fraser syndrome. Last evaluated: 2023-10-17. Review status: criteria provided, single submitter. Criteria: Invitae Variant Classification Sherloc (09022015). Collection method: clinical testing. Allele origin: germline.
Comment: This sequence change affects an acceptor splice site in intron 7 of the EYA1 gene. It is expected to disrupt RNA splicing. Variants that disrupt the donor or acceptor splice site typically lead to a loss of protein function (PMID: 16199547), and loss-of-function variants in EYA1 are known to be pathogenic (PMID: 10464653, 18220287). This variant is not present in population databases (gnomAD no frequency). Disruption of this splice site has been observed in individual(s) with branchiootorenal syndrome (PMID: 19206155). Algorithms developed to predict the effect of sequence changes on RNA splicing suggest that this variant may disrupt the consensus splice site. In summary, the currently available evidence indicates that the variant is pathogenic, but additional data are needed to prove that conclusively. Therefore, this variant has been classified as Likely Pathogenic.

Literature cited by the submitters: PubMed 16199547; PubMed 10464653; PubMed 18220287; PubMed 19206155.

NM_000503.6(EYA1):c.557-1G>A

Gene: EYA1 (EYA transcriptional coactivator and phosphatase 1; minus strand). Cytogenetic location: 8q13.3.
Variant type: single nucleotide variant.
Coding change: c.557-1G>A on transcript NM_000503.6 (MANE Select); the canonical splice acceptor site of the intron before coding-DNA position 557, G replaced by A.
Molecular consequence: splice acceptor variant.
Genome position (GRCh38, 1-based): chr8:71,299,721, C>T on the plus strand (G>A on the coding strand, the complement: EYA1 is on the minus strand). VCF-style: chr8-71299721-C-T. GRCh37 (hg19) VCF-style: chr8-72211956-C-T.
Other names: c.626-1G>A (NM_001370336.1); c.644-1G>A (NM_001370333.1); c.557-1G>A (NM_001370335.1, NM_001370334.1, NM_172058.4); c.629-1G>A (NM_172059.5); c.458-1G>A (NM_001411797.1, NM_172060.4); c.191-1G>A (NM_001288575.2); c.539-1G>A (NM_001288574.2).
Identifiers: ClinVar variation 2769585 (VCV002769585.3), dbSNP rs2536811675, ClinGen allele CA371467842.